The following is an entry in ClinVar:

ClinVar aggregate classification (germline): Uncertain significance (1 of 4 stars; one submission).

Submission:

Ambry Genetics
Classification: Uncertain significance. Last evaluated: 2024-08-06. Review status: criteria provided, single submitter. Criteria: Ambry Variant Classification Scheme 2023. Collection method: clinical testing. Allele origin: germline.
Comment: The p.L644R variant (also known as c.1931T>G), located in coding exon 13 of the MYOM1 gene, results from a T to G substitution at nucleotide position 1931. The leucine at codon 644 is replaced by arginine, an amino acid with dissimilar properties. This amino acid position is conserved. In addition, this alteration is predicted to be deleterious by in silico analysis. Based on the available evidence, the clinical significance of this variant remains unclear.

NM_003803.4(MYOM1):c.1931T>G (p.Leu644Arg)

Gene: MYOM1 (myomesin 1; minus strand). Cytogenetic location: 18p11.31.
Variant type: single nucleotide variant.
Coding change: c.1931T>G on transcript NM_003803.4 (MANE Select); coding-DNA position 1931, T replaced by G.
Protein change: p.Leu644Arg; replaces leucine 644 with arginine.
Molecular consequence: missense variant.
Genome position (GRCh38, 1-based): chr18:3,142,033, A>C on the plus strand (T>G on the coding strand, the complement: MYOM1 is on the minus strand). VCF-style: chr18-3142033-A-C. GRCh37 (hg19) VCF-style: chr18-3142031-A-C.
Other names: c.1931T>G, p.Leu644Arg (NM_019856.2); short protein forms L644R.
Identifiers: ClinVar variation 3401844 (VCV003401844.1).